The following is an entry in ClinVar:

NC_000003.11:g.(?_148447967)_(149678891_?)del

Genes: AGTR1 (angiotensin II receptor type 1; plus strand), ANKUB1 (ankyrin repeat and ubiquitin domain containing 1; minus strand), COMMD2 (COMM domain containing 2; minus strand), CP (ceruloplasmin; minus strand), CPA3 (carboxypeptidase A3; plus strand) and 9 more. Cytogenetic location: 3q24-25.1.
Variant type: Deletion.
Identifiers: ClinVar variation 3246874 (VCV003246874.1).

ClinVar aggregate classification (germline): Pathogenic (1 of 4 stars; one submission).

Conditions:
Deficiency of ferroxidase (ACEP). Also called: Aceruloplasminemia; Ceruloplasmin deficiency; Familial apoceruloplasmin deficiency; Hereditary ceruloplasmin deficiency; Deficiency of ceruloplasmin; NEURODEGENERATION WITH BRAIN IRON ACCUMULATION 10. Identifiers: Orphanet 48818, MedGen C0878682, MONDO:0011426, OMIM 604290, HP:0025498.

Submission:

Labcorp Genetics (formerly Invitae), Labcorp
Classification: Pathogenic for Deficiency of ferroxidase. Last evaluated: 2023-11-27. Review status: criteria provided, single submitter. Criteria: Invitae Variant Classification Sherloc (09022015). Collection method: clinical testing. Allele origin: unknown.
Comment: A gross deletion of the genomic region encompassing the full coding sequence of the CP gene has been identified. Loss-of-function variants in CP are known to be pathogenic (PMID: 16629161). The boundaries of this event are unknown as they extend beyond the assayed region for this gene and therefore may encompass additional genes. This variant has not been reported in the literature in individuals affected with CP-related conditions. For these reasons, this variant has been classified as Pathogenic.

Literature cited by the submitters: PubMed 16629161.